The following is an entry in ClinVar:

ClinVar aggregate classification (germline): Conflicting classifications of pathogenicity. Review status: criteria provided, conflicting classifications (1 of 4 stars). 8 submissions from 8 submitters: Uncertain significance (2); Likely benign (6). Last evaluated 2025-12-19.

Conditions:
Charcot-Marie-Tooth disease. Also called: Charcot-Marie-Tooth Neuropathy; Charcot-Marie-Tooth Hereditary Neuropathy. Identifiers: Orphanet 166, MedGen C0007959, MONDO:0015626.
Charcot-Marie-Tooth disease type 4. Also called: Charcot-Marie-Tooth disease, type IV; Charcot-Marie-Tooth, Type 4. Identifiers: Orphanet 64749, MedGen C4082197, MONDO:0018995.
NDRG1-related disorder. Also called: NDRG1-related condition.
Charcot-Marie-Tooth disease type 4D. Also called: CHARCOT-MARIE-TOOTH DISEASE, DEMYELINATING, TYPE 4D; NEUROPATHY, HEREDITARY MOTOR AND SENSORY, LOM TYPE; CHARCOT-MARIE-TOOTH DISEASE, DEMYELINATING, AUTOSOMAL RECESSIVE, TYPE 4D; Charcot-Marie-Tooth Neuropathy Type 4D. Identifiers: Orphanet 99950, MedGen C1832334, MONDO:0011085, OMIM 601455.

Allele frequency attached by ClinVar (database versions not stated): 1000 Genomes Project 30x 0.00016; gnomAD exomes 0.00018 and 0.00030; 1000 Genomes Project 0.00020; ExAC 0.00074; TOPMed 0.00006; gnomAD 0.00007 and 0.00013.
gnomAD v4.1: 275 of 1,583,170 alleles (0.017%); highest among the groups gnomAD compares: South Asian, 0.15%; 2 homozygotes.

Submissions (8):

Labcorp Genetics (formerly Invitae), Labcorp
Classification: Likely benign for Charcot-Marie-Tooth disease type 4. Last evaluated: 2025-12-19. Review status: criteria provided, single submitter. Criteria: Invitae Variant Classification Sherloc (09022015). Collection method: clinical testing. Allele origin: germline.

Women's Health and Genetics/Laboratory Corporation of America, LabCorp
Classification: Likely benign. Last evaluated: 2025-12-08. Review status: criteria provided, single submitter. Criteria: LabCorp Variant Classification Summary - May 2015. Collection method: clinical testing. Allele origin: germline.

PreventionGenetics, part of Exact Sciences
Classification: Likely benign for NDRG1-related condition. Last evaluated: 2024-11-27. Review status: criteria provided, single submitter. Criteria: ACMG Guidelines, 2015. Collection method: clinical testing. Allele origin: germline.
Comment: This variant is classified as likely benign based on ACMG/AMP sequence variant interpretation guidelines (Richards et al. 2015 PMID: 25741868, with internal and published modifications).

CeGaT Center for Human Genetics Tuebingen
Classification: Likely benign. Last evaluated: 2023-12-01. Review status: criteria provided, single submitter. Criteria: CeGaT Center For Human Genetics Tuebingen Variant Classification Criteria Version 2. Collection method: clinical testing. Allele origin: germline. Affected: yes. Observed: 2 variant alleles.
Comment: NDRG1: BP4, BP7

GeneDx
Classification: Likely benign. Last evaluated: 2019-08-29. Review status: criteria provided, single submitter. Criteria: GeneDx Variant Classification Process June 2021. Collection method: clinical testing. Allele origin: germline. Affected: yes.

Illumina Laboratory Services, Illumina
Classification: Uncertain significance for Charcot-Marie-Tooth disease type 4D. Last evaluated: 2018-01-13. Review status: criteria provided, single submitter. Criteria: ICSL Variant Classification Criteria 13 December 2019. Collection method: clinical testing. Allele origin: germline.

Athena Diagnostics
Classification: Likely benign. Last evaluated: 2016-09-30. Review status: criteria provided, single submitter. Criteria: Athena Diagnostics Criteria. Collection method: clinical testing. Allele origin: germline.

Molecular Genetics Laboratory, London Health Sciences Centre
Classification: Uncertain significance for Charcot-Marie-Tooth disease. Review status: criteria provided, single submitter. Criteria: ACMG Guidelines, 2015. Collection method: clinical testing. Allele origin: germline. Affected: yes.

NM_006096.4(NDRG1):c.1101C>T (p.Ser367=)

Gene: NDRG1 (N-myc downstream regulated 1; minus strand). Cytogenetic location: 8q24.22.
Variant type: single nucleotide variant.
Coding change: c.1101C>T on transcript NM_006096.4 (MANE Select); coding-DNA position 1101, C replaced by T.
Protein change: p.Ser367=; no amino-acid change (serine 367 retained).
Molecular consequence: synonymous variant.
Genome position (GRCh38, 1-based): chr8:133,238,962, G>A on the plus strand (C>T on the coding strand, the complement: NDRG1 is on the minus strand). VCF-style: chr8-133238962-G-A. GRCh37 (hg19) VCF-style: chr8-134251205-G-A.
Other names: c.1101C>T, p.Ser367= (NM_001135242.2, NM_001374845.1, NM_001374846.1); c.903C>T, p.Ser301= (NM_001258432.2, NM_001374847.1); c.858C>T, p.Ser286= (NM_001258433.2); c.1152C>T, p.Ser384= (NM_001374844.1).
Identifiers: ClinVar variation 447748 (VCV000447748.62), dbSNP rs201959970, ClinGen allele CA4886420.